The following is an entry in ClinVar:

NM_000219.6(KCNE1):c.226G>C (p.Asp76His)

Gene: KCNE1 (potassium voltage-gated channel subfamily E regulatory subunit 1; minus strand). Cytogenetic location: 21q22.12.
Variant type: single nucleotide variant.
Coding change: c.226G>C on transcript NM_000219.6 (MANE Select); coding-DNA position 226, G replaced by C.
Protein change: p.Asp76His; replaces aspartic acid 76 with histidine.
Molecular consequence: missense variant.
Genome position (GRCh38, 1-based): chr21:34,449,409, C>G on the plus strand (G>C on the coding strand, the complement: KCNE1 is on the minus strand). VCF-style: chr21-34449409-C-G. GRCh37 (hg19) VCF-style: chr21-35821707-C-G.
Other names: c.226G>C, p.Asp76His (NM_001127668.4, NM_001127669.4, NM_001127670.4 and 4 more transcripts); short protein forms D76H.
Identifiers: ClinVar variation 3374372 (VCV003374372.3).
Genomic context (GRCh38, chr21:34,449,409, plus strand): 5'-GGACATAGGCCTTGTCCTTCTCTTGCCAGGCATCGGACTCGATGTAGACGTTGAATGGGT[C>G]GTTCGAGTGCTCCAGCTTCTTGGAGCGGATGTAGCTCAGCATGATGCCCAGGGTGAAGAA-3'
Protein context (NP_000210.2, residues 66-86): IRSKKLEHSN[Asp76His]PFNVYIESDA

ClinVar aggregate classification (germline): Uncertain significance (1 of 4 stars; one submission).

Submissions (2):

Blueprint Genetics
Classification: Uncertain significance. Last evaluated: 2024-11-25. Review status: criteria provided, single submitter. Criteria: ACMG Guidelines, 2015. Collection method: clinical testing. Allele origin: germline.

Roden Lab, Vanderbilt University Medical Center
No classification provided (evidence only). Condition: Long QT syndrome 5. Review status: no classification provided. Collection method: in vitro. Allele origin: not applicable. Functional consequence: Effect on ion channel function. Not counted in ClinVar's aggregate classification.
ClinVar note: "not provided" was previously submitted as the classification for the variant. However, the classification appeared to be based only on an observation of functional data so it was converted to no classification on 2025-07-30.